The following is an entry in ClinVar:

NM_018341.3(ERMARD):c.2005G>T (p.Ala669Ser)

Gene: ERMARD (ER membrane associated RNA degradation; plus strand). Cytogenetic location: 6q27.
Variant type: single nucleotide variant.
Coding change: c.2005G>T on transcript NM_018341.3 (MANE Select); coding-DNA position 2005, G replaced by T.
Protein change: p.Ala669Ser; replaces alanine 669 with serine.
Molecular consequence: missense variant.
Genome position (GRCh38, 1-based): chr6:169,781,481, G>T. VCF-style: chr6-169781481-G-T. GRCh37 (hg19) VCF-style: chr6-170181577-G-T.
Other names: c.1864G>T, p.Ala622Ser (NM_001278531.2); c.1627G>T, p.Ala543Ser (NM_001278532.2); c.1786G>T, p.Ala596Ser (NM_001278533.2); c.1597G>T, p.Ala533Ser (NM_001410957.1); short protein forms A533S, A543S, A596S, A622S, A669S.
Identifiers: ClinVar variation 3901995 (VCV003901995.1).

ClinVar aggregate classification (germline): Uncertain significance (1 of 4 stars; one submission).

Conditions:
Periventricular nodular heterotopia 6 (PVNH6). Identifiers: Orphanet 2149, MedGen C3809872, MONDO:0014240, OMIM 615544.

Submission:

Laboratorio de Genetica e Diagnostico Molecular, Hospital Israelita Albert Einstein
Classification: Uncertain significance for Periventricular nodular heterotopia 6. Last evaluated: 2023-03-17. Review status: criteria provided, single submitter. Criteria: ACMG Guidelines, 2015. Collection method: clinical testing. Allele origin: germline. Affected: yes.
Comment: ACMG classification criteria: PM2 moderate, BP4 supporting